The following is an entry in ClinVar:

ClinVar aggregate classification (germline): Likely pathogenic. Review status: criteria provided, multiple submitters, no conflicts (2 of 4 stars). 2 submissions from 2 submitters: Likely pathogenic (2). Last evaluated 2025-06-03.

Conditions:
Hereditary diffuse gastric adenocarcinoma (HDGC). Also called: DIFFUSE GASTRIC AND LOBULAR BREAST CANCER SYNDROME. Identifiers: Orphanet 26106, MedGen C1708349, MONDO:0007648, OMIM 137215.

Submissions (2):

Myriad Genetics, Inc.
Classification: Likely pathogenic for Hereditary diffuse gastric adenocarcinoma. Last evaluated: 2025-06-03. Review status: criteria provided, single submitter. Criteria: Myriad Autosomal Dominant, Autosomal Recessive and X-Linked Classification Criteria (2023). Collection method: clinical testing. Allele origin: unknown.
Comment: This variant is considered likely pathogenic. This variant occurs within a consensus splice junction and is predicted to result in abnormal mRNA splicing of either an out-of-frame exon or an in-frame exon necessary for protein stability and/or normal function.

Labcorp Genetics (formerly Invitae), Labcorp
Classification: Likely pathogenic. Last evaluated: 2024-11-24. Review status: criteria provided, single submitter. Criteria: Invitae Variant Classification Sherloc (09022015). Collection method: clinical testing. Allele origin: germline.
Comment: This sequence change affects a donor splice site in intron 4 of the CTNNA1 gene. It is expected to disrupt RNA splicing. Variants that disrupt the donor or acceptor splice site typically lead to a loss of protein function (PMID: 16199547), and loss-of-function variants in CTNNA1 are known to be pathogenic (PMID: 32051609, 34425242). This variant is not present in population databases (gnomAD no frequency). This variant has not been reported in the literature in individuals affected with CTNNA1-related conditions. Algorithms developed to predict the effect of sequence changes on RNA splicing suggest that this variant may disrupt the consensus splice site. In summary, the currently available evidence indicates that the variant is pathogenic, but additional data are needed to prove that conclusively. Therefore, this variant has been classified as Likely Pathogenic.

Literature cited by the submitters: PubMed 16199547 (cited by Labcorp Genetics (formerly Invitae), Labcorp); PubMed 32051609 (cited by Labcorp Genetics (formerly Invitae), Labcorp); PubMed 34425242 (cited by Labcorp Genetics (formerly Invitae), Labcorp).

NM_001903.5(CTNNA1):c.468+1G>C

Gene: CTNNA1 (catenin alpha 1; plus strand). Cytogenetic location: 5q31.2.
Variant type: single nucleotide variant.
Coding change: c.468+1G>C on transcript NM_001903.5 (MANE Select); the canonical splice donor site of the intron after coding-DNA position 468, G replaced by C.
Molecular consequence: splice donor variant.
Genome position (GRCh38, 1-based): chr5:138,810,205, G>C. VCF-style: chr5-138810205-G-C. GRCh37 (hg19) VCF-style: chr5-138145894-G-C.
Other names: c.468+1G>C (NM_001323982.2, NM_001323984.2, NM_001290307.3 and 3 more transcripts); c.99+1G>C (NM_001290310.3); c.159+1G>C (NM_001290309.3).
Identifiers: ClinVar variation 3725921 (VCV003725921.3).